The following is an entry in ClinVar:

NM_003200.5(TCF3):c.1154G>T (p.Gly385Val)

Gene: TCF3 (transcription factor 3; minus strand). Cytogenetic location: 19p13.3.
Variant type: single nucleotide variant.
Coding change: c.1154G>T on transcript NM_003200.5 (MANE Select); coding-DNA position 1154, G replaced by T.
Protein change: p.Gly385Val; replaces glycine 385 with valine.
Molecular consequence: missense variant.
Genome position (GRCh38, 1-based): chr19:1,619,793, C>A on the plus strand (G>T on the coding strand, the complement: TCF3 is on the minus strand). VCF-style: chr19-1619793-C-A. GRCh37 (hg19) VCF-style: chr19-1619792-C-A.
Other names: c.1154G>T, p.Gly385Val (NM_001136139.4, NM_001351778.2, NM_001351779.2); short protein forms G385V.
Identifiers: ClinVar variation 3621555 (VCV003621555.3).
Genomic context (GRCh38, chr19:1,619,793, plus strand): 5'-GCAAATTCTGTCGGGGAAGGGTGGGGTGGGGCGGGGCAGGCACTCACCAGGCCGTGGAGA[C>A]CCCCGTCGTAGCTGGGCGATAAGGCACCGGGGGCTCCTGCTCGAGGCCACTGTGACGTTC-3'
Protein context (NP_003191.1, residues 375-395): PGALSPSYDG[Gly385Val]LHGLQSKIED

ClinVar aggregate classification (germline): Uncertain significance. Review status: criteria provided, multiple submitters, no conflicts (2 of 4 stars). 2 submissions from 2 submitters: Uncertain significance (2). Last evaluated 2024-12-15.

gnomAD v4.1: 5 of 1,557,942 alleles (0.00032%); highest among the groups gnomAD compares: Non-Finnish European, 0.00043%; no homozygotes.

Submissions (2):

Labcorp Genetics (formerly Invitae), Labcorp
Classification: Uncertain significance. Last evaluated: 2024-12-15. Review status: criteria provided, single submitter. Criteria: Invitae Variant Classification Sherloc (09022015). Collection method: clinical testing. Allele origin: germline.
Comment: This sequence change replaces glycine, which is neutral and non-polar, with valine, which is neutral and non-polar, at codon 385 of the TCF3 protein (p.Gly385Val). The frequency data for this variant in the population databases is considered unreliable, as metrics indicate poor data quality at this position in the gnomAD database. This variant has not been reported in the literature in individuals affected with TCF3-related conditions. Invitae Evidence Modeling of protein sequence and biophysical properties (such as structural, functional, and spatial information, amino acid conservation, physicochemical variation, residue mobility, and thermodynamic stability) has been performed for this missense variant. However, the output from this modeling did not meet the statistical confidence thresholds required to predict the impact of this variant on TCF3 protein function. In summary, the available evidence is currently insufficient to determine the role of this variant in disease. Therefore, it has been classified as a Variant of Uncertain Significance.

Blueprint Genetics
Classification: Uncertain significance. Last evaluated: 2022-07-14. Review status: criteria provided, single submitter. Criteria: ACMG Guidelines, 2015. Collection method: clinical testing. Allele origin: germline.